The following is an entry in ClinVar:

ClinVar aggregate classification (germline): Uncertain significance (1 of 4 stars; one submission).

Conditions:
Hyperornithinemia-hyperammonemia-homocitrullinuria syndrome (HHHS). Also called: Ornithine translocase deficiency; HHH SYNDROME. Identifiers: Orphanet 415, MedGen C0268540, MONDO:0009393, OMIM 238970.

Submission:

Labcorp Genetics (formerly Invitae), Labcorp
Classification: Uncertain significance for Hyperornithinemia-hyperammonemia-homocitrullinuria syndrome. Last evaluated: 2021-12-03. Review status: criteria provided, single submitter. Criteria: Invitae Variant Classification Sherloc (09022015). Collection method: clinical testing. Allele origin: germline.
Comment: In summary, the available evidence is currently insufficient to determine the role of this variant in disease. Therefore, it has been classified as a Variant of Uncertain Significance. This sequence change replaces lysine, which is basic and polar, with glutamine, which is neutral and polar, at codon 131 of the SLC25A15 protein (p.Lys131Gln). This variant is not present in population databases (gnomAD no frequency). This variant has not been reported in the literature in individuals affected with SLC25A15-related conditions. Algorithms developed to predict the effect of missense changes on protein structure and function (SIFT, PolyPhen-2, Align-GVGD) all suggest that this variant is likely to be disruptive.

NM_014252.4(SLC25A15):c.391A>C (p.Lys131Gln)

Gene: SLC25A15 (solute carrier family 25 member 15; plus strand). Cytogenetic location: 13q14.11.
Variant type: single nucleotide variant.
Coding change: c.391A>C on transcript NM_014252.4 (MANE Select); coding-DNA position 391, A replaced by C.
Protein change: p.Lys131Gln; replaces lysine 131 with glutamine.
Molecular consequence: missense variant.
Genome position (GRCh38, 1-based): chr13:40,805,194, A>C. VCF-style: chr13-40805194-A-C. GRCh37 (hg19) VCF-style: chr13-41379330-A-C.
Other names: short protein forms K131Q.
Identifiers: ClinVar variation 2029093 (VCV002029093.4), dbSNP rs2546920895, ClinGen allele CA387917844.
Genomic context (GRCh38, chr13:40,805,194, plus strand): 5'-GCCGCCGGTTCCTTCGCCTCTGCCTTTGCTGCACTGGTGCTCTGCCCCACGGAGCTCGTG[A>C]AGTGCCGGCTGCAGACCATGTATGAGATGGAGACATCAGGGAAGATAGCCAAGAGCCAGA-3'
Protein context (NP_055067.1, residues 121-141): ALVLCPTELV[Lys131Gln]CRLQTMYEME